The following is an entry in ClinVar:

ClinVar aggregate classification (germline): Benign. Review status: criteria provided, multiple submitters, no conflicts (2 of 4 stars). 2 submissions from 2 submitters: Benign (2). Last evaluated 2018-06-16.

Allele frequency attached by ClinVar (database versions not stated): ESP Exome Variant Server 0.11816; 1000 Genomes Project 30x 0.11946; gnomAD 0.11985 and 0.12054; 1000 Genomes Project 0.12041; TOPMed 0.12844; ExAC 0.12971; gnomAD exomes 0.13437 and 0.14287.
gnomAD v4.1: 144,715 of 1,037,180 alleles (14%); highest among the groups gnomAD compares: Admixed American, 23%; 10,723 homozygotes.

Submissions (2):

GeneDx
Classification: Benign. Last evaluated: 2018-06-16. Review status: criteria provided, single submitter. Criteria: GeneDx Variant Classification (06012015). Collection method: clinical testing. Allele origin: germline. Affected: yes.
Comment: This variant is considered likely benign or benign based on one or more of the following criteria: it is a conservative change, it occurs at a poorly conserved position in the protein, it is predicted to be benign by multiple in silico algorithms, and/or has population frequency not consistent with disease.

Breakthrough Genomics
Classification: Benign. Review status: criteria provided, single submitter. Criteria: ACMG Guidelines, 2015. Collection method: not provided. Allele origin: germline. Inheritance: Autosomal dominant inheritance. Affected: yes.

NM_133433.4(NIPBL):c.3855+52A>G

Gene: NIPBL (NIPBL cohesin loading factor; plus strand). Cytogenetic location: 5p13.2.
Variant type: single nucleotide variant.
Coding change: c.3855+52A>G on transcript NM_133433.4 (MANE Select); 52 bases into the intron after coding-DNA position 3855, A replaced by G.
Molecular consequence: intron variant.
Genome position (GRCh38, 1-based): chr5:37,003,399, A>G. VCF-style: chr5-37003399-A-G. GRCh37 (hg19) VCF-style: chr5-37003501-A-G.
Other names: c.3855+52A>G (NM_015384.5).
Identifiers: ClinVar variation 673932 (VCV000673932.2), dbSNP rs62654860, ClinGen allele CA3236451.